The following is an entry in ClinVar:

NM_001134363.3(RBM20):c.1263G>A (p.Val421=)

Gene: RBM20 (RNA binding motif protein 20; plus strand). Cytogenetic location: 10q25.2.
Variant type: single nucleotide variant.
Coding change: c.1263G>A on transcript NM_001134363.3 (MANE Select); coding-DNA position 1263, G replaced by A.
Protein change: p.Val421=; no amino-acid change (valine 421 retained).
Molecular consequence: synonymous variant.
Genome position (GRCh38, 1-based): chr10:110,781,872, G>A. VCF-style: chr10-110781872-G-A. GRCh37 (hg19) VCF-style: chr10-112541630-G-A.
Other names: c.1263G>A (NM_001134363.1).
Identifiers: ClinVar variation 1577980 (VCV001577980.9), dbSNP rs1844357538, ClinGen allele CA471365045.

ClinVar aggregate classification (germline): Conflicting classifications of pathogenicity. Review status: criteria provided, conflicting classifications (1 of 4 stars). 2 submissions from 2 submitters: Uncertain significance (1); Likely benign (1). Last evaluated 2023-03-13.

Conditions:
Cardiovascular phenotype. Identifiers: MedGen CN230736.
Dilated cardiomyopathy 1DD (CMD1DD). Identifiers: Orphanet 154, MedGen C2750995, MONDO:0013168, OMIM 613172.

Submissions (2):

Ambry Genetics
Classification: Uncertain significance for Cardiovascular phenotype. Last evaluated: 2023-03-13. Review status: criteria provided, single submitter. Criteria: Ambry Variant Classification Scheme 2023. Collection method: clinical testing. Allele origin: germline.
Comment: The c.1263G>A variant (also known as p.V421V), located in coding exon 2 of the RBM20 gene, results from a G to A substitution at nucleotide position 1263. This nucleotide substitution does not change the valine at codon 421. This nucleotide position is not well conserved in available vertebrate species. In silico splice site analysis for this alteration is inconclusive. Since supporting evidence is limited at this time, the clinical significance of this alteration remains unclear.

Labcorp Genetics (formerly Invitae), Labcorp
Classification: Likely benign for Dilated cardiomyopathy 1DD. Last evaluated: 2021-10-20. Review status: criteria provided, single submitter. Criteria: Invitae Variant Classification Sherloc (09022015). Collection method: clinical testing. Allele origin: germline.